The following is an entry in ClinVar:

NM_005476.7(GNE):c.247G>A (p.Ala83Thr)

Gene: GNE (glucosamine (UDP-N-acetyl)-2-epimerase/N-acetylmannosamine kinase; minus strand). Cytogenetic location: 9p13.3.
Variant type: single nucleotide variant.
Coding change: c.247G>A on transcript NM_005476.7 (MANE Select); coding-DNA position 247, G replaced by A.
Protein change: p.Ala83Thr; replaces alanine 83 with threonine.
Molecular consequence: missense variant.
Genome position (GRCh38, 1-based): chr9:36,246,400, C>T on the plus strand (G>A on the coding strand, the complement: GNE is on the minus strand). VCF-style: chr9-36246400-C-T. GRCh37 (hg19) VCF-style: chr9-36246397-C-T.
Other names: c.340G>A, p.Ala114Thr (NM_001128227.3); c.247G>A, p.Ala83Thr (NM_001190383.3, NM_001374797.1); c.70G>A, p.Ala24Thr (NM_001190384.3, NM_001190388.2, NM_001374798.1); short protein forms A24T, A83T, A114T.
Identifiers: ClinVar variation 1347714 (VCV001347714.7), dbSNP rs1482972274, ClinGen allele CA373419831.

ClinVar aggregate classification (germline): Uncertain significance (1 of 4 stars; one submission).

Conditions:
GNE myopathy (NM). Also called: INCLUSION BODY MYOPATHY 2, AUTOSOMAL RECESSIVE; MYOPATHY, DISTAL, WITH OR WITHOUT RIMMED VACUOLES; NONAKA DISTAL MYOPATHY; IBM 2; Inclusion body myopathy autosomal recessive; Inclusion body myopathy quadriceps sparing. Identifiers: Orphanet 602, MedGen C1853926, MONDO:0011603, OMIM 605820.
Sialuria. Also called: SIALURIA, FRENCH TYPE; Sialic Acid Storage Disease. Identifiers: Orphanet 3166, MedGen C0342853, MONDO:0010028, OMIM 269921.

Allele frequency attached by ClinVar (database versions not stated): gnomAD exomes below 0.00001.
gnomAD v4.1: 1 of 1,613,736 alleles (0.000062%); highest among the groups gnomAD compares: Admixed American, 0.0017%; no homozygotes.

Submission:

Labcorp Genetics (formerly Invitae), Labcorp
Classification: Uncertain significance for Sialuria; GNE myopathy. Last evaluated: 2024-08-10. Review status: criteria provided, single submitter. Criteria: Invitae Variant Classification Sherloc (09022015). Collection method: clinical testing. Allele origin: germline.
Comment: This sequence change replaces alanine, which is neutral and non-polar, with threonine, which is neutral and polar, at codon 114 of the GNE protein (p.Ala114Thr). This variant is present in population databases (no rsID available, gnomAD 0.003%). This variant has not been reported in the literature in individuals affected with GNE-related conditions. ClinVar contains an entry for this variant (Variation ID: 1347714). Advanced modeling of protein sequence and biophysical properties (such as structural, functional, and spatial information, amino acid conservation, physicochemical variation, residue mobility, and thermodynamic stability) has been performed at Invitae for this missense variant, however the output from this modeling did not meet the statistical confidence thresholds required to predict the impact of this variant on GNE protein function. In summary, the available evidence is currently insufficient to determine the role of this variant in disease. Therefore, it has been classified as a Variant of Uncertain Significance.